The following is an entry in ClinVar:

ClinVar aggregate classification (germline): Uncertain significance (1 of 4 stars; one submission).

Conditions:
UMOD-related disorder. Also called: UMOD-related condition.

gnomAD v4.1: 12 of 1,550,124 alleles (0.00077%); highest among the groups gnomAD compares: African/African-American, 0.0096%; no homozygotes.

Submission:

PreventionGenetics, part of Exact Sciences
Classification: Uncertain significance for UMOD-related condition. Last evaluated: 2025-01-26. Review status: criteria provided, single submitter. Criteria: ACMG Guidelines, 2015. Collection method: clinical testing. Allele origin: germline.
Comment: The UMOD c.151G>C variant is predicted to result in the amino acid substitution p.Glu51Gln. To our knowledge, this variant has not been reported in the literature. This variant is reported in 0.019% of alleles in individuals of African descent in gnomAD. At this time, the clinical significance of this variant is uncertain due to the absence of conclusive functional and genetic evidence.

NM_003361.4(UMOD):c.89-595G>C

Gene: UMOD (uromodulin; minus strand). Cytogenetic location: 16p12.3.
Variant type: single nucleotide variant.
Coding change: c.89-595G>C on transcript NM_003361.4 (MANE Select); 595 bases into the intron before coding-DNA position 89, G replaced by C.
Molecular consequence: intron variant. On other transcripts: missense variant (1).
Genome position (GRCh38, 1-based): chr16:20,349,807, C>G on the plus strand (G>C on the coding strand, the complement: UMOD is on the minus strand). VCF-style: chr16-20349807-C-G. GRCh37 (hg19) VCF-style: chr16-20361129-C-G.
Other names: c.151G>C, p.Glu51Gln (NM_001278614.2); c.89-595G>C (NM_001008389.3, NM_001378234.1, NM_001378235.1 and 3 more transcripts); short protein forms E51Q.
Identifiers: ClinVar variation 4990657 (VCV004990657.1).